The following is an entry in ClinVar:

NM_000552.5(VWF):c.1156+1G>A

Gene: VWF (von Willebrand factor; minus strand). Cytogenetic location: 12p13.31.
Variant type: single nucleotide variant.
Coding change: c.1156+1G>A on transcript NM_000552.5 (MANE Select); the canonical splice donor site of the intron after coding-DNA position 1156, G replaced by A.
Molecular consequence: splice donor variant.
Genome position (GRCh38, 1-based): chr12:6,071,296, C>T on the plus strand (G>A on the coding strand, the complement: VWF is on the minus strand). VCF-style: chr12-6071296-C-T. GRCh37 (hg19) VCF-style: chr12-6180462-C-T.
Identifiers: ClinVar variation 1723400 (VCV001723400.2), dbSNP rs2497235136, ClinGen allele CA383504981.

ClinVar aggregate classification (germline): Likely pathogenic. Review status: criteria provided, multiple submitters, no conflicts (2 of 4 stars). 2 submissions from 2 submitters: Likely pathogenic (2). Last evaluated 2024-06-18.

Conditions:
Hereditary von Willebrand disease. Identifiers: Orphanet 903, MedGen C5703318, MONDO:0019565. Inheritance: Autosomal recessive or Autosomal dominant.

Allele frequency attached by ClinVar (database versions not stated): gnomAD exomes below 0.00001.
gnomAD v4.1: 1 of 1,614,136 alleles (0.000062%); highest among the groups gnomAD compares: Non-Finnish European, 0.000085%; no homozygotes.

Submissions (2):

ARUP Laboratories, Molecular Genetics and Genomics, ARUP Laboratories
Classification: Likely pathogenic. Last evaluated: 2024-06-18. Review status: criteria provided, single submitter. Criteria: ARUP Molecular Germline Variant Investigation Process 2024. Collection method: clinical testing. Allele origin: germline.
Comment: The VWF c.1156+1G>A variant, to our knowledge, is not reported in the medical literature but is reported in ClinVar (Variation ID: 1723400). This variant is absent from the Genome Aggregation Database (v2.1.1), indicating it is not a common polymorphism. This variant disrupts the canonical splice donor site of intron 10, which is likely to negatively impact gene function. Based on available information, this variant is considered to be likely pathogenic.

Women's Health and Genetics/Laboratory Corporation of America, LabCorp
Classification: Likely pathogenic for von Willebrand disorder. Last evaluated: 2022-10-28. Review status: criteria provided, single submitter. Criteria: LabCorp Variant Classification Summary - May 2015. Collection method: clinical testing. Allele origin: germline.
Comment: Variant summary: VWF c.1156+1G>A is located in a canonical splice-site and is predicted to affect mRNA splicing resulting in a significantly altered protein due to either exon skipping, shortening, or inclusion of intronic material. Several computational tools predict a significant impact on normal splicing: Four predict the variant abolishes the canonical 5' splicing donor site. However, these predictions have yet to be confirmed by functional studies. The variant was absent in 250844 control chromosomes (gnomAD). To our knowledge, no occurrence of c.1156+1G>A in individuals affected with Von Willebrand Disease and no experimental evidence demonstrating its impact on protein function have been reported. No clinical diagnostic laboratories have submitted clinical-significance assessments for this variant to ClinVar after 2014. Based on the evidence outlined above, the variant was classified as likely pathogenic.